The following is an entry in ClinVar:

NM_002890.3(RASA1):c.1615A>C (p.Asn539His)

Genes: CCNH (cyclin H; minus strand), RASA1 (RAS p21 protein activator 1; plus strand). Cytogenetic location: 5q14.3.
Variant type: single nucleotide variant.
Coding change: c.1615A>C on transcript NM_002890.3 (MANE Select); coding-DNA position 1615, A replaced by C.
Protein change: p.Asn539His; replaces asparagine 539 with histidine.
Molecular consequence: missense variant. On other transcripts: intron variant (1).
Genome position (GRCh38, 1-based): chr5:87,369,817, A>C. VCF-style: chr5-87369817-A-C. GRCh37 (hg19) VCF-style: chr5-86665634-A-C.
Other names: c.1084A>C, p.Asn362His (NM_022650.3); c.933+25227T>G (NM_001364075.2); short protein forms N539H, N362H.
Identifiers: ClinVar variation 2058092 (VCV002058092.5), dbSNP rs2531324155, ClinGen allele CA360371554.

ClinVar aggregate classification (germline): Uncertain significance. Review status: criteria provided, multiple submitters, no conflicts (2 of 4 stars). 2 submissions from 2 submitters: Uncertain significance (2). Last evaluated 2025-05-04.

Conditions:
Cardiovascular phenotype. Identifiers: MedGen CN230736.
Capillary malformation-arteriovenous malformation syndrome. Also called: Capillary malformation-arteriovenous malformation. Identifiers: Orphanet 137667, MedGen C1842180, MONDO:0012016.

Allele frequency attached by ClinVar (database versions not stated): gnomAD exomes below 0.00001.
gnomAD v4.1: 1 of 1,610,632 alleles (0.000062%); highest among the groups gnomAD compares: Non-Finnish European, 0.000085%; no homozygotes.

Submissions (2):

Labcorp Genetics (formerly Invitae), Labcorp
Classification: Uncertain significance for Capillary malformation-arteriovenous malformation syndrome. Last evaluated: 2025-05-04. Review status: criteria provided, single submitter. Criteria: Invitae Variant Classification Sherloc (09022015). Collection method: clinical testing. Allele origin: germline.
Comment: This sequence change replaces asparagine, which is neutral and polar, with histidine, which is basic and polar, at codon 539 of the RASA1 protein (p.Asn539His). This variant is not present in population databases (gnomAD no frequency). This variant has not been reported in the literature in individuals affected with RASA1-related conditions. ClinVar contains an entry for this variant (Variation ID: 2058092). An algorithm developed to predict the effect of missense changes on protein structure and function (PolyPhen-2) suggests that this variant is likely to be tolerated. In summary, the available evidence is currently insufficient to determine the role of this variant in disease. Therefore, it has been classified as a Variant of Uncertain Significance.

Ambry Genetics
Classification: Uncertain significance for Cardiovascular phenotype. Last evaluated: 2022-12-01. Review status: criteria provided, single submitter. Criteria: Ambry Variant Classification Scheme 2023. Collection method: clinical testing. Allele origin: germline.
Comment: The p.N539H variant (also known as c.1615A>C), located in coding exon 12 of the RASA1 gene, results from an A to C substitution at nucleotide position 1615. The asparagine at codon 539 is replaced by histidine, an amino acid with similar properties. This amino acid position is conserved. In addition, this alteration is predicted to be tolerated by in silico analysis. Since supporting evidence is limited at this time, the clinical significance of this alteration remains unclear.